The following is an entry in ClinVar:

NM_004357.5(CD151):c.162A>C (p.Ser54=)

Gene: CD151 (CD151 molecule (Raph blood group); plus strand). Cytogenetic location: 11p15.5.
Variant type: single nucleotide variant.
Coding change: c.162A>C on transcript NM_004357.5 (MANE Select); coding-DNA position 162, A replaced by C.
Protein change: p.Ser54=; no amino-acid change (serine 54 retained).
Molecular consequence: synonymous variant.
Genome position (GRCh38, 1-based): chr11:836,328, A>C. VCF-style: chr11-836328-A-C. GRCh37 (hg19) VCF-style: chr11-836328-A-C.
Other names: c.162A>C, p.Ser54= (NM_001039490.2, NM_139029.2, NM_139030.4).
Identifiers: ClinVar variation 4281441 (VCV004281441.7).

ClinVar aggregate classification (germline): Likely benign (1 of 4 stars; one submission).

gnomAD v4.1: 1 of 1,612,732 alleles (0.000062%); highest among the groups gnomAD compares: Non-Finnish European, 0.000085%; no homozygotes.

Submission:

CeGaT Center for Human Genetics Tuebingen
Classification: Likely benign. Last evaluated: 2025-09-01. Review status: criteria provided, single submitter. Criteria: CeGaT Center For Human Genetics Tuebingen Variant Classification Criteria Version 2. Collection method: clinical testing. Allele origin: germline. Affected: yes. Observed: 1 variant allele.
Comment: CD151: BP4, BP7